The following is an entry in ClinVar:

ClinVar aggregate classification (germline): Uncertain significance. Review status: criteria provided, multiple submitters, no conflicts (2 of 4 stars). 2 submissions from 2 submitters: Uncertain significance (2). Last evaluated 2024-05-09.

Allele frequency attached by ClinVar (database versions not stated): TOPMed below 0.00001; gnomAD 0.00001; gnomAD exomes 0.00001.

Submissions (2):

Ambry Genetics
Classification: Uncertain significance. Last evaluated: 2024-05-09. Review status: criteria provided, single submitter. Criteria: Ambry Variant Classification Scheme 2023. Collection method: clinical testing. Allele origin: germline.

Labcorp Genetics (formerly Invitae), Labcorp
Classification: Uncertain significance. Last evaluated: 2023-03-03. Review status: criteria provided, single submitter. Criteria: Invitae Variant Classification Sherloc (09022015). Collection method: clinical testing. Allele origin: germline.
Comment: In summary, the available evidence is currently insufficient to determine the role of this variant in disease. Therefore, it has been classified as a Variant of Uncertain Significance. An algorithm developed to predict the effect of missense changes on protein structure and function (PolyPhen-2) suggests that this variant is likely to be tolerated. This variant has not been reported in the literature in individuals affected with GPR88-related conditions. This variant is present in population databases (rs755839599, gnomAD 0.001%). This sequence change replaces proline, which is neutral and non-polar, with serine, which is neutral and polar, at codon 102 of the GPR88 protein (p.Pro102Ser).

NM_022049.3(GPR88):c.304C>T (p.Pro102Ser)

Gene: GPR88 (G protein-coupled receptor 88; plus strand). Cytogenetic location: 1p21.2.
Variant type: single nucleotide variant.
Coding change: c.304C>T on transcript NM_022049.3 (MANE Select); coding-DNA position 304, C replaced by T.
Protein change: p.Pro102Ser; replaces proline 102 with serine.
Molecular consequence: missense variant.
Genome position (GRCh38, 1-based): chr1:100,539,270, C>T. VCF-style: chr1-100539270-C-T. GRCh37 (hg19) VCF-style: chr1-101004826-C-T.
Other names: c.304C>T (NM_022049.2); short protein forms P102S.
Identifiers: ClinVar variation 2999859 (VCV002999859.4), dbSNP rs755839599, ClinGen allele CA971069.
Genomic context (GRCh38, chr1:100,539,270, plus strand): 5'-GCCCTCTGGATGCCGCAGGAGGCGGTGCTCGGGCTCCTGCCCACCGGCTCTGCGGAGCCC[C>T]CCGCAGACTGGGACGGCGCTGGGGGCAGCTACCGCCTGCTACGGGGTGGGCTGCTGGGCC-3'
Protein context (NP_071332.2, residues 92-112): GLLPTGSAEP[Pro102Ser]ADWDGAGGSY